The following is an entry in ClinVar:

ClinVar aggregate classification (germline): Pathogenic. Review status: criteria provided, single submitter (1 of 4 stars). 2 submissions from 2 submitters: Pathogenic (1). 1 of the submissions does not count toward it. Last evaluated 2021-06-25.

Conditions:
Congenital hyperammonemia, type I. Also called: Carbamoyl-phosphate synthase I deficiency; Carbamoyl phosphate synthetase I deficiency disease; CPS I DEFICIENCY; Carbamoyl phosphate synthetase 1 deficiency; Hyperammonemia due to carbamoyl phosphate synthetase 1 deficiency; CPS 1 deficiency. Identifiers: Orphanet 147, MedGen C4082171, MONDO:0009376, OMIM 237300.

Allele frequency attached by ClinVar (database versions not stated): gnomAD exomes below 0.00001; TOPMed below 0.00001.

Submissions (2):

Labcorp Genetics (formerly Invitae), Labcorp
Classification: Pathogenic for Congenital hyperammonemia, type I. Last evaluated: 2021-06-25. Review status: criteria provided, single submitter. Criteria: Invitae Variant Classification Sherloc (09022015). Collection method: clinical testing. Allele origin: germline.
Comment: This sequence change creates a premature translational stop signal (p.Gly594Trpfs*42) in the CPS1 gene. It is expected to result in an absent or disrupted protein product. Loss-of-function variants in CPS1 are known to be pathogenic (PMID: 21120950). This variant is not present in population databases (ExAC no frequency). This premature translational stop signal has been observed in individual(s) with Carbamoylphosphate synthetase 1 deficiency (PMID: 22575620). This variant is also known as c.1778dup. ClinVar contains an entry for this variant (Variation ID: 550945). For these reasons, this variant has been classified as Pathogenic.

Counsyl
Classification: Likely pathogenic for Congenital hyperammonemia, type I. Last evaluated: 2017-03-14. Review status: no assertion criteria provided. Collection method: clinical testing. Allele origin: unknown. Not counted in ClinVar's aggregate classification.

Literature cited by the submitters: PubMed 21120950 (cited by Labcorp Genetics (formerly Invitae), Labcorp); PubMed 22575620 (cited by Labcorp Genetics (formerly Invitae), Labcorp).

NM_001875.5(CPS1):c.1775dup (p.Gly594fs)

Gene: CPS1 (carbamoyl-phosphate synthase 1; plus strand). Cytogenetic location: 2q34.
Variant type: Duplication.
Coding change: c.1775dup on transcript NM_001875.5 (MANE Select); coding-DNA position 1775, one base duplicated (T; older notation c.1775dupT).
Protein change: p.Gly594fs; shifts the reading frame from glycine 594.
Molecular consequence: frameshift variant. On other transcripts: non-coding transcript variant (2).
Genome position (GRCh38, 1-based): chr2:210,602,269, T duplicated. VCF-style (leftmost placement, unchanged base first): chr2-210602268-C-CT. GRCh37 (hg19) VCF-style: chr2-211466992-C-CT.
Other names: c.1775dup (LRG_336t1); c.1775dup, p.Gly594fs (NM_001122633.3, NM_001369257.1); c.1808dup, p.Gly605fs (NM_001369256.1); c.1775dupT (NM_001875.4); short protein forms G594fs, G605fs.
Identifiers: ClinVar variation 550945 (VCV000550945.7), dbSNP rs1341782266, ClinGen allele CA658822047.